The following is an entry in ClinVar:

NM_001377.3(DYNC2H1):c.5960C>T (p.Thr1987Met)

Gene: DYNC2H1 (dynein cytoplasmic 2 heavy chain 1; plus strand). Cytogenetic location: 11q22.3.
Variant type: single nucleotide variant.
Coding change: c.5960C>T on transcript NM_001377.3 (MANE Select); coding-DNA position 5960, C replaced by T.
Protein change: p.Thr1987Met; replaces threonine 1987 with methionine.
Molecular consequence: missense variant.
Genome position (GRCh38, 1-based): chr11:103,177,641, C>T. VCF-style: chr11-103177641-C-T. GRCh37 (hg19) VCF-style: chr11-103048370-C-T.
Other names: c.5960C>T, p.Thr1987Met (NM_001080463.2); c.5960C>T (NM_001080463.1); short protein forms T1987M.
Identifiers: ClinVar variation 1439810 (VCV001439810.15), dbSNP rs769618486, ClinGen allele CA6253870.

ClinVar aggregate classification (germline): Conflicting classifications of pathogenicity. Review status: criteria provided, conflicting classifications (1 of 4 stars). 5 submissions from 5 submitters: Likely pathogenic (1); Uncertain significance (4). Last evaluated 2026-01-19.

Conditions:
Inborn genetic diseases. Identifiers: MedGen C0950123, MeSH D030342.
Jeune thoracic dystrophy. Also called: Jeune syndrome; Infantile thoracic dystrophy; Thoracic pelvic phalangeal dystrophy; Jeune's syndrome; Chondroectodermal dysplasia-like syndrome; Short-rib thoracic dysplasia. Identifiers: Orphanet 474, MedGen C0265275, MONDO:0018770.

Allele frequency attached by ClinVar (database versions not stated): ExAC 0.00002; gnomAD 0.00011 and 0.00009; TOPMed 0.00006; gnomAD exomes 0.00004 and 0.00005.
gnomAD v4.1: 83 of 1,612,752 alleles (0.0051%); highest among the groups gnomAD compares: African/African-American, 0.029%; no homozygotes.

Submissions (5):

Labcorp Genetics (formerly Invitae), Labcorp
Classification: Likely pathogenic for Jeune thoracic dystrophy. Last evaluated: 2026-01-19. Review status: criteria provided, single submitter. Criteria: Invitae Variant Classification Sherloc (09022015). Collection method: clinical testing. Allele origin: germline.
Comment: This sequence change replaces threonine, which is neutral and polar, with methionine, which is neutral and non-polar, at codon 1987 of the DYNC2H1 protein (p.Thr1987Met). This variant is present in population databases (rs769618486, gnomAD 0.03%). This missense change has been observed in individual(s) with clinical features of DYNC2H1-related conditions (PMID: 38465142). ClinVar contains an entry for this variant (Variation ID: 1439810). Invitae Evidence Modeling of protein sequence and biophysical properties (such as structural, functional, and spatial information, amino acid conservation, physicochemical variation, residue mobility, and thermodynamic stability) indicates that this missense variant is expected to disrupt DYNC2H1 protein function with a positive predictive value of 95%. This variant disrupts the p.Thr1987 amino acid residue in DYNC2H1. Other variant(s) that disrupt this residue have been determined to be pathogenic (PMID: 19442771). This suggests that this residue is clinically significant, and that variants that disrupt this residue are likely to be disease-causing. In summary, the currently available evidence indicates that the variant is pathogenic, but additional data are needed to prove that conclusively. Therefore, this variant has been classified as Likely Pathogenic.

Women's Health and Genetics/Laboratory Corporation of America, LabCorp
Classification: Uncertain significance. Last evaluated: 2025-05-22. Review status: criteria provided, single submitter. Criteria: LabCorp Variant Classification Summary - May 2015. Collection method: clinical testing. Allele origin: germline.
Comment: Variant summary: DYNC2H1 c.5960C>T (p.Thr1987Met) results in a non-conservative amino acid change located in the AAA+ ATPase domain (IPR003593) of the encoded protein sequence. Algorithms developed to predict the effect of missense changes on protein structure and function are either unavailable or do not agree on the potential impact of this missense change. The variant allele was found at a frequency of 4.4e-05 in 248208 control chromosomes. This frequency is not significantly higher than estimated for a pathogenic variant in DYNC2H1 causing Short-rib thoracic dysplasia (4.4e-05 vs 0.0025), allowing no conclusion about variant significance. c.5960C>T has been observed in homozygous state in an individual affected with clinical features of Bardet-Biedl syndrome (PMID:38465142). These data indicate that the variant may be associated with disease. To our knowledge, no experimental evidence demonstrating an impact on protein function has been reported. The following publication have been ascertained in the context of this evaluation (PMID: 38465142). ClinVar contains an entry for this variant (Variation ID: 1439810). Based on the evidence outlined above, the variant was classified as VUS-possibly pathogenic.

Ambry Genetics
Classification: Uncertain significance for Inborn genetic diseases. Last evaluated: 2025-04-17. Review status: criteria provided, single submitter. Criteria: Ambry Variant Classification Scheme 2023. Collection method: clinical testing. Allele origin: germline.

Blueprint Genetics
Classification: Uncertain significance. Last evaluated: 2024-08-13. Review status: criteria provided, single submitter. Criteria: ACMG Guidelines, 2015. Collection method: clinical testing. Allele origin: germline.

GeneDx
Classification: Uncertain significance. Last evaluated: 2023-03-16. Review status: criteria provided, single submitter. Criteria: GeneDx Variant Classification Process June 2021. Collection method: clinical testing. Allele origin: germline. Affected: yes.
Comment: In silico analysis supports that this missense variant has a deleterious effect on protein structure/function; Has not been previously published as pathogenic or benign to our knowledge

Literature cited by the submitters: PubMed 38465142 (cited by Labcorp Genetics (formerly Invitae), Labcorp and Women's Health and Genetics/Laboratory Corporation of America, LabCorp); PubMed 19442771 (cited by Labcorp Genetics (formerly Invitae), Labcorp).